The following is an entry in ClinVar:

NM_001379291.1(BRD4):c.380A>C (p.Gln127Pro)

Gene: BRD4 (bromodomain containing 4; minus strand). Cytogenetic location: 19p13.12.
Variant type: single nucleotide variant.
Coding change: c.380A>C on transcript NM_001379291.1 (MANE Select); coding-DNA position 380, A replaced by C.
Protein change: p.Gln127Pro; replaces glutamine 127 with proline.
Molecular consequence: missense variant.
Genome position (GRCh38, 1-based): chr19:15,268,948, T>G on the plus strand (A>C on the coding strand, the complement: BRD4 is on the minus strand). VCF-style: chr19-15268948-T-G. GRCh37 (hg19) VCF-style: chr19-15379759-T-G.
Other names: c.380A>C, p.Gln127Pro (NM_001330384.2, NM_001379292.1, NM_014299.3 and 1 more transcripts); short protein forms Q127P.
Identifiers: ClinVar variation 2602133 (VCV002602133.2), dbSNP rs2512595833, ClinGen allele CA404486387.

ClinVar aggregate classification (germline): Uncertain significance (1 of 4 stars; one submission).

Conditions:
Inborn genetic diseases. Identifiers: MedGen C0950123, MeSH D030342.

Submission:

Ambry Genetics
Classification: Uncertain significance for Inborn genetic diseases. Last evaluated: 2023-08-29. Review status: criteria provided, single submitter. Criteria: Ambry Variant Classification Scheme 2023. Collection method: clinical testing. Allele origin: germline.
Comment: The c.380A>C (p.Q127P) alteration is located in exon 3 (coding exon 2) of the BRD4 gene. This alteration results from an A to C substitution at nucleotide position 380, causing the glutamine (Q) at amino acid position 127 to be replaced by a proline (P). This variant was not reported in population-based cohorts in the Genome Aggregation Database (gnomAD). This amino acid position is highly conserved in available vertebrate species. This alteration is predicted to be tolerated by in silico analysis. Based on insufficient or conflicting evidence, the clinical significance of this alteration remains unclear.